The following is an entry in ClinVar:

NM_000426.4(LAMA2):c.5929A>G (p.Ile1977Val)

Gene: LAMA2 (laminin subunit alpha 2; plus strand). Cytogenetic location: 6q22.33.
Variant type: single nucleotide variant.
Coding change: c.5929A>G on transcript NM_000426.4 (MANE Select); coding-DNA position 5929, A replaced by G.
Protein change: p.Ile1977Val; replaces isoleucine 1977 with valine.
Molecular consequence: missense variant.
Genome position (GRCh38, 1-based): chr6:129,427,815, A>G. VCF-style: chr6-129427815-A-G. GRCh37 (hg19) VCF-style: chr6-129748960-A-G.
Other names: c.5929A>G, p.Ile1977Val (NM_001079823.2); short protein forms I1977V.
Identifiers: ClinVar variation 1376322 (VCV001376322.6), dbSNP rs2114740795, ClinGen allele CA365623999.

ClinVar aggregate classification (germline): Uncertain significance (1 of 4 stars; one submission).

Conditions:
LAMA2-related muscular dystrophy (LAMA2-RD). Also called: Laminin alpha 2-related dystrophy. Identifiers: MedGen C5679788, MONDO:0100228.

Allele frequency attached by ClinVar (database versions not stated): gnomAD exomes below 0.00001.
gnomAD v4.1: 1 of 1,613,836 alleles (0.000062%); highest among the groups gnomAD compares: African/African-American, 0.0013%; no homozygotes.

Submission:

Labcorp Genetics (formerly Invitae), Labcorp
Classification: Uncertain significance for LAMA2-related muscular dystrophy. Last evaluated: 2022-07-26. Review status: criteria provided, single submitter. Criteria: Invitae Variant Classification Sherloc (09022015). Collection method: clinical testing. Allele origin: germline.
Comment: This sequence change replaces isoleucine, which is neutral and non-polar, with valine, which is neutral and non-polar, at codon 1977 of the LAMA2 protein (p.Ile1977Val). This variant is not present in population databases (gnomAD no frequency). This variant has not been reported in the literature in individuals affected with LAMA2-related conditions. ClinVar contains an entry for this variant (Variation ID: 1376322). Advanced modeling of protein sequence and biophysical properties (such as structural, functional, and spatial information, amino acid conservation, physicochemical variation, residue mobility, and thermodynamic stability) performed at Invitae indicates that this missense variant is not expected to disrupt LAMA2 protein function. In summary, the available evidence is currently insufficient to determine the role of this variant in disease. Therefore, it has been classified as a Variant of Uncertain Significance.